The following is an entry in ClinVar:

NM_198859.4(PRICKLE2):c.1286_1287del (p.Ser429fs)

Gene: PRICKLE2 (prickle planar cell polarity protein 2; minus strand). Cytogenetic location: 3p14.1.
Variant type: Deletion.
Coding change: c.1286_1287del on transcript NM_198859.4 (MANE Select); coding-DNA positions 1286 to 1287, 2 bases deleted (GT; older notation c.1286_1287delGT).
Protein change: p.Ser429fs; shifts the reading frame from serine 429.
Molecular consequence: frameshift variant.
Genome position (GRCh38, 1-based): chr3:64,147,203-64,147,204, AC deleted on the plus strand (GT on the coding strand, the reverse complement: PRICKLE2 is on the minus strand). VCF-style (leftmost placement, unchanged base first): chr3-64147202-GAC-G. GRCh37 (hg19) VCF-style: chr3-64132878-GAC-G.
Other names: c.1286_1287del, p.Ser429fs (NM_001370528.1); c.1286_1287delGT (NM_198859.4); short protein forms S429fs.
Identifiers: ClinVar variation 1064441 (VCV001064441.2), dbSNP rs2107015478, ClinGen allele CA2499216976.

ClinVar aggregate classification (germline): Likely pathogenic (1 of 4 stars; one submission).

Submission:

Genetics and Personalized Medicine, Danish Epilepsy Center
Classification: Likely pathogenic. Last evaluated: 2021-02-01. Review status: criteria provided, single submitter. Criteria: ACMG Guidelines, 2015. Collection method: clinical testing. Allele origin: maternal, unknown. Affected: yes. Observed: 3 variant alleles. Clinical features observed: mild developmental delay, mild intellectual disability, gross motor delay, fine motor delay, problems with social interaction, seizure-like episodes, normal EEG, spelling problems, dyslexia, no intellectual disability, executive difficulties, no seizures.
Comment: Interpretation based on ACMG guidelines from 2015 (PVS1+PM1+PM2)